The following is an entry in ClinVar:

ClinVar aggregate classification (germline): Likely pathogenic. Review status: criteria provided, multiple submitters, no conflicts (2 of 4 stars). 2 submissions from 2 submitters: Likely pathogenic (2). Last evaluated 2023-09-10.

Conditions:
Joubert syndrome. Also called: CEREBELLOPARENCHYMAL DISORDER IV; JOUBERT-BOLTSHAUSER SYNDROME; Familial aplasia of the vermis. Identifiers: Orphanet 475, MedGen C5979921, MONDO:0018772.
Meckel-Gruber syndrome. Also called: DYSENCEPHALIA SPLANCHNOCYSTICA; GRUBER SYNDROME; Dysencephalia splachnocystica. Identifiers: Orphanet 564, MedGen C0265215, MONDO:0018921.
Nephronophthisis. Also called: Juvenile Nephronophthisis. Identifiers: Orphanet 655, MedGen C0687120, MONDO:0019005, HP:0000090.
Bardet-Biedl syndrome 14 (BBS14). Identifiers: Orphanet 110, MedGen C2673874, MONDO:0014442, OMIM 615991.

Submissions (2):

Baylor Genetics
Classification: Likely pathogenic for Bardet-Biedl syndrome 14. Last evaluated: 2023-09-10. Review status: criteria provided, single submitter. Criteria: ACMG Guidelines, 2015. Collection method: clinical testing. Allele origin: unknown.

Labcorp Genetics (formerly Invitae), Labcorp
Classification: Likely pathogenic for Joubert syndrome; Meckel-Gruber syndrome; Nephronophthisis. Last evaluated: 2022-05-18. Review status: criteria provided, single submitter. Criteria: Invitae Variant Classification Sherloc (09022015). Collection method: clinical testing. Allele origin: germline.
Comment: In summary, the currently available evidence indicates that the variant is pathogenic, but additional data are needed to prove that conclusively. Therefore, this variant has been classified as Likely Pathogenic. Algorithms developed to predict the effect of sequence changes on RNA splicing suggest that this variant may disrupt the consensus splice site. This variant has not been reported in the literature in individuals affected with CEP290-related conditions. This variant is not present in population databases (gnomAD no frequency). This sequence change affects a donor splice site in intron 43 of the CEP290 gene. It is expected to disrupt RNA splicing. Variants that disrupt the donor or acceptor splice site typically lead to a loss of protein function (PMID: 16199547), and loss-of-function variants in CEP290 are known to be pathogenic (PMID: 16909394, 17345604, 20690115).

Literature cited by the submitters: PubMed 16199547 (cited by Labcorp Genetics (formerly Invitae), Labcorp); PubMed 16909394 (cited by Labcorp Genetics (formerly Invitae), Labcorp); PubMed 17345604 (cited by Labcorp Genetics (formerly Invitae), Labcorp); PubMed 20690115 (cited by Labcorp Genetics (formerly Invitae), Labcorp).

NM_025114.4(CEP290):c.6011+2T>G

Gene: CEP290 (centrosomal protein 290; minus strand). Cytogenetic location: 12q21.32.
Variant type: single nucleotide variant.
Coding change: c.6011+2T>G on transcript NM_025114.4 (MANE Select); the canonical splice donor site of the intron after coding-DNA position 6011, T replaced by G.
Molecular consequence: splice donor variant.
Genome position (GRCh38, 1-based): chr12:88,071,292, A>C on the plus strand (T>G on the coding strand, the complement: CEP290 is on the minus strand). VCF-style: chr12-88071292-A-C. GRCh37 (hg19) VCF-style: chr12-88465069-A-C.
Identifiers: ClinVar variation 1996005 (VCV001996005.5), dbSNP rs2499726960, ClinGen allele CA385983058.
Genomic context (GRCh38, chr12:88,071,292, plus strand): 5'-ATTTCTAGGGGTCAACCAGTTTTTCATTACAATGGGTGGCACATTTCCACATAATAGCTT[A>C]CCTCATATACAATATATCATTTTCTAAGTCAAGATTTCTCTTTTTTAATTCTTCCAATTC-3'